The following is an entry in ClinVar:

NM_001330078.2(NRXN1):c.*2878G>A

Gene: NRXN1 (neurexin 1; minus strand). Cytogenetic location: 2p16.3.
Variant type: single nucleotide variant.
Coding change: c.*2878G>A on transcript NM_001330078.2 (MANE Select); 2878 bases downstream of the stop codon, G replaced by A.
Molecular consequence: 3 prime UTR variant.
Genome position (GRCh38, 1-based): chr2:49,919,066, C>T on the plus strand (G>A on the coding strand, the complement: NRXN1 is on the minus strand). VCF-style: chr2-49919066-C-T. GRCh37 (hg19) VCF-style: chr2-50146204-C-T.
Other names: c.*2878G>A (NM_001135659.3, NM_001320156.4, NM_001320157.4 and 17 more transcripts).
Identifiers: ClinVar variation 898971 (VCV000898971.4), dbSNP rs146778534, ClinGen allele CA47800591.

ClinVar aggregate classification (germline): Benign (1 of 4 stars; one submission).

Conditions:
Pitt-Hopkins-like syndrome 2 (PTHSL2). Identifiers: Orphanet 221150, Orphanet 600663, MedGen C3280479, MONDO:0013690, OMIM 614325.

Allele frequency attached by ClinVar (database versions not stated): gnomAD 0.00996 and 0.01088; 1000 Genomes Project 30x 0.00999; 1000 Genomes Project 0.01018; TOPMed 0.01128.

Submission:

Illumina Laboratory Services, Illumina
Classification: Benign for Pitt-Hopkins-like syndrome 2. Last evaluated: 2018-01-13. Review status: criteria provided, single submitter. Criteria: ICSL Variant Classification Criteria 13 December 2019. Collection method: clinical testing. Allele origin: germline.
Comment: This variant was observed in the ICSL laboratory as part of a predisposition screen in an ostensibly healthy population. It had not been previously curated by ICSL or reported in the Human Gene Mutation Database (HGMD: prior to June 1st, 2018), and was therefore a candidate for classification through an automated scoring system. Utilizing variant allele frequency, disease prevalence and penetrance estimates, and inheritance mode, an automated score was calculated to assess if this variant is too frequent to cause the disease. Based on the score and internal cut-off values, a variant classified as benign is not then subjected to further curation. The score for this variant resulted in a classification of benign for this disease.